The following is an entry in ClinVar:

NM_032737.4(LMNB2):c.1288C>T (p.Arg430Cys)

Gene: LMNB2 (lamin B2; minus strand). Cytogenetic location: 19p13.3.
Variant type: single nucleotide variant.
Coding change: c.1288C>T on transcript NM_032737.4 (MANE Select); coding-DNA position 1288, C replaced by T.
Protein change: p.Arg430Cys; replaces arginine 430 with cysteine.
Molecular consequence: missense variant.
Genome position (GRCh38, 1-based): chr19:2,434,020, G>A on the plus strand (C>T on the coding strand, the complement: LMNB2 is on the minus strand). VCF-style: chr19-2434020-G-A. GRCh37 (hg19) VCF-style: chr19-2434018-G-A.
Other names: c.1228C>T (NM_032737.2); short protein forms R430C.
Identifiers: ClinVar variation 862042 (VCV000862042.10), dbSNP rs367908162, ClinGen allele CA9067544.

ClinVar aggregate classification (germline): Uncertain significance. Review status: criteria provided, multiple submitters, no conflicts (2 of 4 stars). 2 submissions from 2 submitters: Uncertain significance (2). Last evaluated 2025-01-06.

Conditions:
Lipodystrophy, partial, acquired, susceptibility to (APLD). Also called: APLD, SUSCEPTIBILITY TO. Identifiers: MedGen C3887501, MONDO:0100476, OMIM 608709.
Progressive myoclonic epilepsy type 9. Identifiers: Orphanet 457265, MedGen C4225289, MONDO:0014685, OMIM 616540.

Allele frequency attached by ClinVar (database versions not stated): ExAC 0.00003; ESP Exome Variant Server 0.00008; gnomAD 0.00002; gnomAD exomes 0.00002; TOPMed 0.00002.

Submissions (2):

Labcorp Genetics (formerly Invitae), Labcorp
Classification: Uncertain significance for Progressive myoclonic epilepsy type 9; Lipodystrophy, partial, acquired, susceptibility to. Last evaluated: 2025-01-06. Review status: criteria provided, single submitter. Criteria: Invitae Variant Classification Sherloc (09022015). Collection method: clinical testing. Allele origin: germline.
Comment: This sequence change replaces arginine, which is basic and polar, with cysteine, which is neutral and slightly polar, at codon 430 of the LMNB2 protein (p.Arg430Cys). This variant is present in population databases (rs367908162, gnomAD 0.006%). This variant has not been reported in the literature in individuals affected with LMNB2-related conditions. ClinVar contains an entry for this variant (Variation ID: 862042). An algorithm developed to predict the effect of missense changes on protein structure and function (PolyPhen-2) suggests that this variant is likely to be disruptive. In summary, the available evidence is currently insufficient to determine the role of this variant in disease. Therefore, it has been classified as a Variant of Uncertain Significance.

Ambry Genetics
Classification: Uncertain significance. Last evaluated: 2024-10-24. Review status: criteria provided, single submitter. Criteria: Ambry Variant Classification Scheme 2023. Collection method: clinical testing. Allele origin: germline.